The following is an entry in ClinVar:

ClinVar aggregate classification (germline): Conflicting classifications of pathogenicity. Review status: criteria provided, conflicting classifications (1 of 4 stars). 3 submissions from 3 submitters: Likely pathogenic (1); Uncertain significance (2). Last evaluated 2025-09-24.

Conditions:
Cardiovascular phenotype. Identifiers: MedGen CN230736.
Hereditary cancer-predisposing syndrome. Also called: Hereditary Cancer Syndrome; Neoplastic Syndromes, Hereditary; Tumor predisposition; Hereditary neoplastic syndrome. Identifiers: Orphanet 140162, MedGen C0027672, MeSH D009386, MONDO:0015356.

Allele frequency attached by ClinVar (database versions not stated): TOPMed 0.00002; ExAC 0.00002; gnomAD 0.00001; gnomAD exomes 0.00001.

Submissions (3):

Ambry Genetics
Classification: Likely pathogenic for Cardiovascular phenotype; Hereditary cancer-predisposing syndrome. Last evaluated: 2025-09-24. Review status: criteria provided, single submitter. Criteria: Ambry Variant Classification Scheme 2023. Collection method: clinical testing. Allele origin: germline.
Comment: The c.2487dupA variant, located in coding exon 21 of the LZTR1 gene, results from a duplication of A at nucleotide position 2487, causing a translational frameshift with a predicted alternate stop codon (p.D830Rfs*21). This alteration occurs at the 3' terminus of thegene, is not expected to trigger nonsense-mediated mRNAdecay and results in the elongation of the protein by 9 amino acids. This frameshift impacts the last 11amino acids of the native protein. However, frameshifts are typically deleterious in nature and the impacted region is critical for protein function (Ambry internal data). This variant was reported in individual(s) with features consistent with LZTR1-related schwannomatosis; at least one individual with this variant had analysis of two schwannomas that revealed LOH at 22q and different NF2 variants in both (Paganini I et al. Eur J Hum Genet, 2015 Jul;23:963-8; Ambry internal data). Based on the supporting evidence, this variant is likely pathogenic for an increased risk of LZTR1-related schwannomatosis (SWN) and would be expected to cause autosomal recessive Noonan syndrome when present along with a second pathogenic or likely pathogenic variant on the other allele.

Labcorp Genetics (formerly Invitae), Labcorp
Classification: Uncertain significance. Last evaluated: 2025-09-10. Review status: criteria provided, single submitter. Criteria: Invitae Variant Classification Sherloc (09022015). Collection method: clinical testing. Allele origin: germline.
Comment: This sequence change is expected to alter the c-terminus of the LZTR1 protein (p.Asp830Argfs*21). While this is not anticipated to result in nonsense mediated decay, it is expected to disrupt the last 11 amino acid(s) of the LZTR1 protein and extend the protein by 9 additional amino acid residues. This variant is present in population databases (rs745630993, gnomAD 0.008%). This frameshift has been observed in individual(s) with schwannomas (PMID: 25335493). ClinVar contains an entry for this variant (Variation ID: 1410069). Experimental studies and prediction algorithms are not available or were not evaluated, and the functional significance of this variant is currently unknown. In summary, the available evidence is currently insufficient to determine the role of this variant in disease. Therefore, it has been classified as a Variant of Uncertain Significance.

GeneDx
Classification: Uncertain significance. Last evaluated: 2025-08-05. Review status: criteria provided, single submitter. Criteria: GeneDx Variant Classification Process June 2021. Collection method: clinical testing. Allele origin: germline.
Comment: Reported in an individual with multiple schwannomas but the SMARCB1 gene was not evaluated in this individual (PMID: 25335493); Frameshift variant predicted to result in abnormal protein length as the last 11 amino acid(s) are replaced with 20 different amino acid(s); Not observed at significant frequency in large population cohorts (gnomAD); This variant is associated with the following publications: (PMID: 25335493)

Literature cited by the submitters: PubMed 25335493 (cited by Ambry Genetics and Labcorp Genetics (formerly Invitae), Labcorp).

NM_006767.4(LZTR1):c.2487dup (p.Asp830fs)

Gene: LZTR1 (leucine zipper like post translational regulator 1; plus strand). Cytogenetic location: 22q11.21.
Variant type: Duplication.
Coding change: c.2487dup on transcript NM_006767.4 (MANE Select); coding-DNA position 2487, one base duplicated (A; older notation c.2487dupA).
Protein change: p.Asp830fs; shifts the reading frame from aspartic acid 830.
Molecular consequence: frameshift variant.
Genome position (GRCh38, 1-based): chr22:20,997,312, A duplicated. VCF-style (leftmost placement, unchanged base first): chr22-20997311-C-CA. GRCh37 (hg19) VCF-style: chr22-21351600-C-CA.
Other names: c.2487dupA (NM_006767.3); c.2487dup (NM_006767.3); short protein forms D830fs.
Identifiers: ClinVar variation 1410069 (VCV001410069.12), dbSNP rs745630993, ClinGen allele CA10119476.
Genomic context (GRCh38, chr22:20,997,311, plus strand): 5'-TGCGGTCGCTGAGCCAGCAGCTGCTGCTGGACATCATAGACTCCCTGGCCTCCCACATCT[C>CA]AGACAAGCAGTGCGCAGAGCTGGGCGCCGACATCTGAGGCCCTGTGGCGCCTGCCCATTG-3'